The following is an entry in ClinVar:

ClinVar aggregate classification (germline): Uncertain significance (1 of 4 stars; one submission).

Submission:

GeneDx
Classification: Uncertain significance. Last evaluated: 2024-02-06. Review status: criteria provided, single submitter. Criteria: GeneDx Variant Classification Process June 2021. Collection method: clinical testing. Allele origin: germline. Affected: yes.
Comment: Not observed at significant frequency in large population cohorts (gnomAD); In-frame deletion of 7 amino acids in a non-repeat region; In silico analysis supports that this variant does not alter protein structure/function; Has not been previously published as pathogenic or benign to our knowledge

NM_005413.4(SIX3):c.131_151del (p.Ala44_Gly50del)

Gene: SIX3 (SIX homeobox 3; plus strand). Cytogenetic location: 2p21.
Variant type: Deletion.
Coding change: c.131_151del on transcript NM_005413.4 (MANE Select); coding-DNA positions 131 to 151, 21 bases deleted (CGGGAGGCGGCAGCGGCGGCG).
Protein change: p.Ala44_Gly50del.
Molecular consequence: inframe deletion.
Genome position (GRCh38, 1-based): chr2:44,942,235-44,942,255, CGGGAGGCGGCAGCGGCGGCG deleted; deleting any 21 consecutive bases within chr2:44,942,226-44,942,255 gives the same sequence; the c. name uses the placement nearest the transcript's 3' end. VCF-style (leftmost placement, unchanged base first): chr2-44942225-GGCGGCGGCGCGGGAGGCGGCA-G. GRCh37 (hg19) VCF-style: chr2-45169364-GGCGGCGGCGCGGGAGGCGGCA-G.
Identifiers: ClinVar variation 3368641 (VCV003368641.1).